The following is an entry in ClinVar:

NM_000271.5(NPC1):c.286A>G (p.Arg96Gly)

Gene: NPC1 (NPC intracellular cholesterol transporter 1; minus strand). Cytogenetic location: 18q11.2.
Variant type: single nucleotide variant.
Coding change: c.286A>G on transcript NM_000271.5 (MANE Select); coding-DNA position 286, A replaced by G.
Protein change: p.Arg96Gly; replaces arginine 96 with glycine.
Molecular consequence: missense variant.
Genome position (GRCh38, 1-based): chr18:23,572,075, T>C on the plus strand (A>G on the coding strand, the complement: NPC1 is on the minus strand). VCF-style: chr18-23572075-T-C. GRCh37 (hg19) VCF-style: chr18-21152039-T-C.
Other names: short protein forms R96G.
Identifiers: ClinVar variation 2580216 (VCV002580216.2), dbSNP rs2511352031, ClinGen allele CA401786340.

ClinVar aggregate classification (germline): Conflicting classifications of pathogenicity. Review status: criteria provided, conflicting classifications (1 of 4 stars). 2 submissions from 2 submitters: Likely pathogenic (1); Uncertain significance (1). Last evaluated 2026-03-13.

Conditions:
Niemann-Pick disease, type C (NPC). Identifiers: Orphanet 646, MedGen C0220756, MONDO:0018982.
Niemann-Pick disease, type C1. Also called: NEUROVISCERAL STORAGE DISEASE WITH VERTICAL SUPRANUCLEAR OPHTHALMOPLEGIA; NIEMANN-PICK DISEASE WITH CHOLESTEROL ESTERIFICATION BLOCK; NIEMANN-PICK DISEASE WITHOUT SPHINGOMYELINASE DEFICIENCY; NIEMANN-PICK DISEASE, CHRONIC NEURONOPATHIC FORM; NIEMANN-PICK DISEASE, VARIANT TYPE C1. Identifiers: Orphanet 646, MedGen C3179455, MONDO:0009757, OMIM 257220.

Submissions (2):

Women's Health and Genetics/Laboratory Corporation of America, LabCorp
Classification: Likely pathogenic for Niemann-Pick disease, type C. Last evaluated: 2026-03-13. Review status: criteria provided, single submitter. Criteria: LabCorp Variant Classification Summary - May 2015. Collection method: clinical testing. Allele origin: germline.
Comment: Variant summary: NPC1 c.286A>G (p.Arg96Gly) results in a non-conservative amino acid change located in the N-terminal domain (IPR032190), which contains a cholesterol-binding pocket (InterPro) of the encoded protein sequence. Algorithms developed to predict the effect of missense changes on protein structure and function all suggest that this variant is likely to be disruptive. In addition, the variant affects a nucleotide near a canonical splice site. Several computational tools predict a significant impact on normal splicing: four predict the variant weakens a 5' donor site. However, these predictions have yet to be confirmed by functional studies. The variant was absent in 251064 control chromosomes (gnomAD). c.286A>G has been observed in compound heterozygous and homozygous state in individuals affected with Niemann-Pick Disease Type C (e.g. Saneifard_2024, Liang_2024, Bazalar-Montoya_2024). These data indicate that the variant is likely to be associated with disease. To our knowledge, no experimental evidence demonstrating an impact on protein function has been reported. The following publications have been ascertained in the context of this evaluation (PMID: 39185019, 38131230, 39468051). ClinVar contains an entry for this variant (Variation ID: 2580216). Based on the evidence outlined above, the variant was classified as likely pathogenic.

Illumina Laboratory Services, Illumina
Classification: Uncertain significance for Niemann-Pick disease, type C1. Last evaluated: 2023-05-01. Review status: criteria provided, single submitter. Criteria: ICSLVariantClassificationCriteria RUGD 01 April 2020. Collection method: clinical testing. Allele origin: unknown.
Comment: The NPC1 c.286A>G (p.Arg96Gly) missense variant has not, to our knowledge, been reported in the peer-reviewed literature. This variant is not observed in version 2.1.1 or version 3.1.2 of the Genome Aggregation Database. Multiple lines of computational evidence suggest the variant may impact the gene or gene product. Based on the available evidence, the c.286A>G (p.Arg96Gly) variant is classified as a variant of uncertain significance for Niemann-Pick disease.

Literature cited by the submitters: PubMed 38131230 (cited by Women's Health and Genetics/Laboratory Corporation of America, LabCorp); PubMed 39185019 (cited by Women's Health and Genetics/Laboratory Corporation of America, LabCorp); PubMed 39468051 (cited by Women's Health and Genetics/Laboratory Corporation of America, LabCorp).